The following is an entry in ClinVar:

ClinVar aggregate classification (germline): Benign/Likely benign. Review status: criteria provided, multiple submitters, no conflicts (2 of 4 stars). 11 submissions from 9 submitters: Benign (7); Likely benign (4). Last evaluated 2026-08-01.

Conditions:
BLOOD GROUP--SWANN SYSTEM (SW). Also called: SWANN BLOOD GROUP. Identifiers: MedGen C1832169, OMIM 601550.
BLOOD GROUP, WALDNER (WD). Also called: WALDNER BLOOD GROUP ANTIGEN. Identifiers: MedGen C1862191, OMIM 112010.
Malaria, susceptibility to. Identifiers: Orphanet 673, MedGen C1970028, MONDO:0021024, OMIM 611162.
BLOOD GROUP--FROESE (FR). Also called: FROESE BLOOD GROUP ANTIGEN. Identifiers: MedGen C1832168, OMIM 601551.
BLOOD GROUP--WRIGHT ANTIGEN (WR). Identifiers: MedGen C1862190, OMIM 112050.
BLOOD GROUP--DIEGO SYSTEM (DI). Identifiers: MedGen C1292286, OMIM 110500.
Southeast Asian ovalocytosis. Also called: HE, STOMATOCYTIC; Elliptocytosis 4; Stomatocytic elliptocytosis, hereditary; Ovalocytosis, Malaysian-Melanesian-Filipino type. Identifiers: Orphanet 98868, MedGen C1862322, MONDO:0008165, OMIM 166900.
Autosomal dominant distal renal tubular acidosis (DRTA1). Also called: Renal Tubular Acidosis, Type I; RENAL TUBULAR ACIDOSIS, DISTAL, 1; RTA, CLASSIC TYPE; RTA, DISTAL TYPE, AUTOSOMAL DOMINANT; RTA, GRADIENT TYPE. Identifiers: Orphanet 93608, MedGen CN280572, MONDO:0008368, OMIM 179800.
Renal tubular acidosis, distal, 4, with hemolytic anemia. Also called: Renal Tubular Acidosis, Distal, with Hemolytic Anemia. Identifiers: Orphanet 93610, MedGen C5436235, MONDO:0012700, OMIM 611590.
Cryohydrocytosis. Also called: CRYOHYDROCYTOSIS DUE TO BAND 3 HEMEL; CRYOHYDROCYTOSIS DUE TO BAND 3 HURSTPIERPOINT; CRYOHYDROCYTOSIS DUE TO BAND 3 BLACKBURN; Hereditary cryohydrocytosis with normal stomatin; STOMATOCYTOSIS, COLD-SENSITIVE. Identifiers: Orphanet 398088, MedGen C1861453, MONDO:0008494, OMIM 185020.
Hereditary spherocytosis type 4. Also called: SLC4A1-Related Spherocytosis. Identifiers: Orphanet 822, MedGen C2675212, MONDO:0012981, OMIM 612653.
Hemolytic anemia. Identifiers: MedGen C0002878, MONDO:0003664, HP:0001878.

Allele frequency attached by ClinVar (database versions not stated): ESP Exome Variant Server 0.00031; TOPMed 0.00168; gnomAD exomes 0.00251 and 0.00582; gnomAD 0.00342 and 0.00385; ExAC 0.00522; 1000 Genomes Project 30x 0.00859; 1000 Genomes Project 0.01018.
gnomAD v4.1: 4,385 of 1,613,946 alleles (0.27%); highest among the groups gnomAD compares: East Asian, 3.5%; 81 homozygotes.

Submissions (11):

CeGaT Center for Human Genetics Tuebingen
Classification: Benign. Last evaluated: 2026-08-01. Review status: criteria provided, single submitter. Criteria: CeGaT Center For Human Genetics Tuebingen Variant Classification Criteria Version 2. Collection method: clinical testing. Allele origin: germline. Affected: yes. Observed: 4 variant alleles.
Comment: SLC4A1: BP4, BS1, BS2

Labcorp Genetics (formerly Invitae), Labcorp
Classification: Benign. Last evaluated: 2026-01-28. Review status: criteria provided, single submitter. Criteria: Invitae Variant Classification Sherloc (09022015). Collection method: clinical testing. Allele origin: germline.

ARUP Laboratories, Molecular Genetics and Genomics, ARUP Laboratories
Classification: Benign. Last evaluated: 2025-01-24. Review status: criteria provided, single submitter. Criteria: ARUP Molecular Germline Variant Investigation Process 2024. Collection method: clinical testing. Allele origin: germline.

Blueprint Genetics
Classification: Likely benign. Last evaluated: 2024-11-15. Review status: criteria provided, single submitter. Criteria: ACMG Guidelines, 2015. Collection method: clinical testing. Allele origin: germline.

Mayo Clinic Laboratories, Mayo Clinic
Classification: Likely benign. Last evaluated: 2024-03-15. Review status: criteria provided, single submitter. Criteria: ACMG Guidelines, 2015. Collection method: clinical testing. Allele origin: germline. Observed: 7 variant alleles.

Fulgent Genetics
Classification: Likely benign for BLOOD GROUP--DIEGO SYSTEM; BLOOD GROUP, WALDNER; BLOOD GROUP--WRIGHT ANTIGEN; Southeast Asian ovalocytosis; Autosomal dominant distal renal tubular acidosis; Cryohydrocytosis; BLOOD GROUP--SWANN SYSTEM; BLOOD GROUP--FROESE; Malaria, susceptibility to; Renal tubular acidosis, distal, 4, with hemolytic anemia; Hereditary spherocytosis type 4. Last evaluated: 2022-04-05. Review status: criteria provided, single submitter. Criteria: ACMG Guidelines, 2015. Collection method: clinical testing. Allele origin: unknown.

GeneDx
Classification: Benign. Last evaluated: 2021-02-10. Review status: criteria provided, single submitter. Criteria: GeneDx Variant Classification Process June 2021. Collection method: clinical testing. Allele origin: germline. Affected: yes.
Comment: This variant is associated with the following publications: (PMID: 31949730, 20035734)

Illumina Laboratory Services, Illumina
Classification: Benign for Autosomal dominant distal renal tubular acidosis. Last evaluated: 2018-01-12. Review status: criteria provided, single submitter. Criteria: ICSL Variant Classification Criteria 13 December 2019. Collection method: clinical testing. Allele origin: germline.
Comment: This variant was observed in the ICSL laboratory as part of a predisposition screen in an ostensibly healthy population. It had not been previously curated by ICSL or reported in the Human Gene Mutation Database (HGMD: prior to June 1st, 2018), and was therefore a candidate for classification through an automated scoring system. Utilizing variant allele frequency, disease prevalence and penetrance estimates, and inheritance mode, an automated score was calculated to assess if this variant is too frequent to cause the disease. Based on the score and internal cut-off values, a variant classified as benign is not then subjected to further curation. The score for this variant resulted in a classification of benign for this disease.

Illumina Laboratory Services, Illumina
Classification: Benign for Hereditary spherocytosis type 4. Last evaluated: 2018-01-12. Review status: criteria provided, single submitter. Criteria: ICSL Variant Classification Criteria 13 December 2019. Collection method: clinical testing. Allele origin: germline.
Comment: the same text as in the submission from Illumina Laboratory Services, Illumina above.

Illumina Laboratory Services, Illumina
Classification: Benign for Hemolytic anemia. Last evaluated: 2018-01-12. Review status: criteria provided, single submitter. Criteria: ICSL Variant Classification Criteria 13 December 2019. Collection method: clinical testing. Allele origin: germline.
Comment: the same text as in the submission from Illumina Laboratory Services, Illumina above.

Breakthrough Genomics
Classification: Likely benign. Review status: criteria provided, single submitter. Criteria: ACMG Guidelines, 2015. Collection method: not provided. Allele origin: germline. Inheritance: Autosomal recessive inheritance. Affected: yes.

NM_000342.4(SLC4A1):c.216G>T (p.Glu72Asp)

Gene: SLC4A1 (solute carrier family 4 member 1 (Diego blood group); minus strand). Cytogenetic location: 17q21.31.
Variant type: single nucleotide variant.
Coding change: c.216G>T on transcript NM_000342.4 (MANE Select); coding-DNA position 216, G replaced by T.
Protein change: p.Glu72Asp; replaces glutamic acid 72 with aspartic acid.
Molecular consequence: missense variant.
Genome position (GRCh38, 1-based): chr17:44,260,768, C>A on the plus strand (G>T on the coding strand, the complement: SLC4A1 is on the minus strand). VCF-style: chr17-44260768-C-A. GRCh37 (hg19) VCF-style: chr17-42338136-C-A.
Other names: short protein forms E72D.
Identifiers: ClinVar variation 323518 (VCV000323518.49), dbSNP rs13306788, ClinGen allele CA8600667.